The following is an entry in ClinVar:

ClinVar aggregate classification (germline): Benign. Review status: criteria provided, multiple submitters, no conflicts (2 of 4 stars). 3 submissions from 3 submitters: Benign (3). Last evaluated 2021-06-09.

Conditions:
Spermatogenic failure 6 (SPGF6). Also called: ROUND-HEADED SPERMATOZOA; ACROSOME MALFORMATION OF SPERMATOZOA. Identifiers: Orphanet 171709, MedGen C4225503, MONDO:0007060, OMIM 102530.

Allele frequency attached by ClinVar (database versions not stated): ESP Exome Variant Server 0.11595; gnomAD 0.11912 and 0.12426; TOPMed 0.13327; ExAC 0.14336; 1000 Genomes Project 0.17073; 1000 Genomes Project 30x 0.17208.
gnomAD v4.1: 206,198 of 1,614,076 alleles (13%); highest among the groups gnomAD compares: East Asian, 32%; 14,845 homozygotes.

Submissions (3):

GeneDx
Classification: Benign. Last evaluated: 2021-06-09. Review status: criteria provided, single submitter. Criteria: GeneDx Variant Classification Process June 2021. Collection method: clinical testing. Allele origin: germline. Affected: yes.

Illumina Laboratory Services, Illumina
Classification: Benign for Spermatogenic failure 6. Last evaluated: 2018-01-12. Review status: criteria provided, single submitter. Criteria: ICSL Variant Classification Criteria 13 December 2019. Collection method: clinical testing. Allele origin: germline.
Comment: This variant was observed in the ICSL laboratory as part of a predisposition screen in an ostensibly healthy population. It had not been previously curated by ICSL or reported in the Human Gene Mutation Database (HGMD: prior to June 1st, 2018), and was therefore a candidate for classification through an automated scoring system. Utilizing variant allele frequency, disease prevalence and penetrance estimates, and inheritance mode, an automated score was calculated to assess if this variant is too frequent to cause the disease. Based on the score and internal cut-off values, a variant classified as benign is not then subjected to further curation. The score for this variant resulted in a classification of benign for this disease.

Breakthrough Genomics
Classification: Benign. Review status: criteria provided, single submitter. Criteria: ACMG Guidelines, 2015. Collection method: not provided. Allele origin: germline. Inheritance: Autosomal recessive inheritance. Affected: yes.

NM_031955.6(SPATA16):c.232G>A (p.Glu78Lys)

Gene: SPATA16 (spermatogenesis associated 16; minus strand). Cytogenetic location: 3q26.31.
Variant type: single nucleotide variant.
Coding change: c.232G>A on transcript NM_031955.6 (MANE Select); coding-DNA position 232, G replaced by A.
Protein change: p.Glu78Lys; replaces glutamic acid 78 with lysine.
Molecular consequence: missense variant.
Genome position (GRCh38, 1-based): chr3:173,117,500, C>T on the plus strand (G>A on the coding strand, the complement: SPATA16 is on the minus strand). VCF-style: chr3-173117500-C-T. GRCh37 (hg19) VCF-style: chr3-172835290-C-T.
Other names: short protein forms E78K.
Identifiers: ClinVar variation 344223 (VCV000344223.7), dbSNP rs1515441, ClinGen allele CA2708382.